The following is an entry in ClinVar:

NM_001291815.2(HMCN2):c.14922C>T (p.Asp4974=)

Gene: HMCN2 (hemicentin 2; plus strand). Cytogenetic location: 9q34.11.
Variant type: single nucleotide variant.
Coding change: c.14922C>T on transcript NM_001291815.2 (MANE Select); coding-DNA position 14922, C replaced by T.
Protein change: p.Asp4974=; no amino-acid change (aspartic acid 4974 retained).
Molecular consequence: synonymous variant.
Genome position (GRCh38, 1-based): chr9:130,433,375, C>T. VCF-style: chr9-130433375-C-T. GRCh37 (hg19) VCF-style: chr9-133308762-C-T.
Identifiers: ClinVar variation 2659609 (VCV002659609.24), dbSNP rs547989442, ClinGen allele CA5283041.
Genomic context (GRCh38, chr9:130,433,375, plus strand): 5'-GTCCGCCTGTCCGTGTGTCTGTGCCGCCCGCAGGACGTGCTTCCGGCGCTGCTCGCAGGA[C>T]TGCGGCACGGGCGGCCCCTCTACGCTGCAGTACCGGCTGCTGCCGCTGCCCCTGGGCGTG-3'
Protein context (NP_001278744.1, residues 4964-4984): PGTCFRRCSQ[Asp4974=]CGTGGPSTLQ

ClinVar aggregate classification (germline): Likely benign (1 of 4 stars; one submission).

Allele frequency attached by ClinVar (database versions not stated): 1000 Genomes Project 0.00100; 1000 Genomes Project 30x 0.00109; gnomAD 0.00240; TOPMed 0.00261; gnomAD exomes 0.00305; ExAC 0.00354.
gnomAD v4.1: 4,385 of 1,477,320 alleles (0.3%); highest among the groups gnomAD compares: Admixed American, 0.39%; 12 homozygotes.

Submission:

CeGaT Center for Human Genetics Tuebingen
Classification: Likely benign. Last evaluated: 2023-01-01. Review status: criteria provided, single submitter. Criteria: CeGaT Center For Human Genetics Tuebingen Variant Classification Criteria Version 2. Collection method: clinical testing. Allele origin: germline. Affected: yes. Observed: 1 variant allele.
Comment: HMCN2: BP4, BP7, BS2